The following is an entry in ClinVar:

ClinVar aggregate classification (germline): Uncertain significance (1 of 4 stars; one submission).

Conditions:
RET-related disorder. Also called: RET-related disorders; RET-related condition; RET-related disease.

Submission:

PreventionGenetics, part of Exact Sciences
Classification: Uncertain significance for RET-related condition. Last evaluated: 2022-11-03. Review status: criteria provided, single submitter. Criteria: ACMG Guidelines, 2015. Collection method: clinical testing. Allele origin: germline.
Comment: The RET c.2140G>A variant is predicted to result in the amino acid substitution p.Asp714Asn. To our knowledge, this variant has not been reported in the literature or in a large population database, indicating this variant is rare. At this time, the clinical significance of this variant is uncertain due to the absence of conclusive functional and genetic evidence.

NM_020975.6(RET):c.2140G>A (p.Asp714Asn)

Gene: RET (ret proto-oncogene; plus strand). Cytogenetic location: 10q11.21.
Variant type: single nucleotide variant.
Coding change: c.2140G>A on transcript NM_020975.6 (MANE Select); coding-DNA position 2140, G replaced by A.
Protein change: p.Asp714Asn; replaces aspartic acid 714 with asparagine.
Molecular consequence: missense variant.
Genome position (GRCh38, 1-based): chr10:43,116,587, G>A. VCF-style: chr10-43116587-G-A. GRCh37 (hg19) VCF-style: chr10-43612035-G-A.
Other names: c.2140G>A, p.Asp714Asn (NM_000323.2, NM_001406743.1, NM_001406744.1 and 4 more transcripts); c.1378G>A, p.Asp460Asn (NM_001355216.2); c.2011G>A, p.Asp671Asn (NM_001406761.1, NM_001406762.1, NM_001406764.1); c.2005G>A, p.Asp669Asn (NM_001406763.1, NM_001406765.1); c.1852G>A, p.Asp618Asn (NM_001406766.1, NM_001406767.1, NM_001406770.1); c.1876G>A, p.Asp626Asn (NM_001406768.1); c.1744G>A, p.Asp582Asn (NM_001406769.1, NM_001406772.1); c.1702G>A, p.Asp568Asn (NM_001406771.1, NM_001406773.1); and 10 more; short protein forms D231N, D279N, D319N, D370N, D372N, D375N, D384N, D415N.
Identifiers: ClinVar variation 2635239 (VCV002635239.1), dbSNP rs2132902537, ClinGen allele CA376554124.